The following is an entry in ClinVar:

ClinVar aggregate classification (germline): Uncertain significance (1 of 4 stars; one submission).

Conditions:
Myofibrillar myopathy 4. Also called: Zaspopathy (type). Identifiers: Orphanet 98912, MedGen C4721886, MONDO:0012277, OMIM 609452.

Allele frequency attached by ClinVar (database versions not stated): gnomAD exomes below 0.00001.
gnomAD v4.1: 2 of 1,613,592 alleles (0.00012%); highest among the groups gnomAD compares: Admixed American, 0.0017%; no homozygotes.

Submission:

Labcorp Genetics (formerly Invitae), Labcorp
Classification: Uncertain significance for Myofibrillar myopathy 4. Last evaluated: 2023-01-31. Review status: criteria provided, single submitter. Criteria: Invitae Variant Classification Sherloc (09022015). Collection method: clinical testing. Allele origin: germline.
Comment: In summary, the available evidence is currently insufficient to determine the role of this variant in disease. Therefore, it has been classified as a Variant of Uncertain Significance. Experimental studies and prediction algorithms are not available or were not evaluated, and the effect of this variant on mRNA splicing is currently unknown. This variant has not been reported in the literature in individuals affected with LDB3-related conditions. This variant is present in population databases (no rsID available, gnomAD 0.003%). This sequence change affects codon 664 of the LDB3 mRNA. It is a 'silent' change, meaning that it does not change the encoded amino acid sequence of the LDB3 protein. The LDB3 gene has multiple clinically relevant transcripts. This variant occurs in alternate transcript NM_007078.3, and corresponds to NM_001080116.1:c.*26774C>T in the primary transcript.

NM_007078.3(LDB3):c.1990C>T (p.Leu664=)

Gene: LDB3 (LIM domain binding 3; plus strand). Cytogenetic location: 10q23.2.
Variant type: single nucleotide variant.
Coding change: c.1990C>T on transcript NM_007078.3 (MANE Select); coding-DNA position 1990, C replaced by T.
Protein change: p.Leu664=; no amino-acid change (leucine 664 retained).
Molecular consequence: synonymous variant.
Genome position (GRCh38, 1-based): chr10:86,726,148, C>T. VCF-style: chr10-86726148-C-T. GRCh37 (hg19) VCF-style: chr10-88485905-C-T.
Other names: c.1660C>T, p.Leu554= (NM_001080114.2); c.2005C>T, p.Leu669= (NM_001171610.2); c.1801C>T, p.Leu601= (NM_001368064.1, NM_001368065.1); c.1849C>T, p.Leu617= (NM_001368066.1).
Identifiers: ClinVar variation 3005154 (VCV003005154.3), dbSNP rs1443798696, ClinGen allele CA470309607.
Genomic context (GRCh38, chr10:86,726,148, plus strand): 5'-CCCGCTGCCCCCACTGGGTGCGGGGTCTTCACTCTGCTTTTCATTTCAGACTACATCAAT[C>T]TGTTCAGCACCAAGTGCCATGGCTGCGATTTCCCCGTGGAGGCTGGCGACAAGTTTATCG-3'
Protein context (NP_009009.1, residues 654-674): EPYCEKDYIN[Leu664=]FSTKCHGCDF